The following is an entry in ClinVar:

ClinVar aggregate classification (germline): Benign/Likely benign. Review status: criteria provided, multiple submitters, no conflicts (2 of 4 stars). 2 submissions from 2 submitters: Benign (1); Likely benign (1). Last evaluated 2024-03-28.

Conditions:
Familial adenomatous polyposis 1 (FAP1). Also called: POLYPOSIS, ADENOMATOUS INTESTINAL; FAMILIAL ADENOMATOUS POLYPOSIS 1, ATTENUATED. Identifiers: MedGen C2713442, MONDO:0021056, OMIM 175100. Disease mechanism: loss of function.

Submissions (2):

Myriad Genetics, Inc.
Classification: Benign for Familial adenomatous polyposis 1. Last evaluated: 2024-03-28. Review status: criteria provided, single submitter. Criteria: Myriad Autosomal Dominant, Autosomal Recessive and X-Linked Classification Criteria (2023). Collection method: clinical testing. Allele origin: unknown.
Comment: This variant is considered benign. This variant is a silent/synonymous amino acid change and it is not expected to impact splicing.

Labcorp Genetics (formerly Invitae), Labcorp
Classification: Likely benign for Familial adenomatous polyposis 1. Last evaluated: 2020-05-04. Review status: criteria provided, single submitter. Criteria: Invitae Variant Classification Sherloc (09022015). Collection method: clinical testing. Allele origin: germline.

NM_000038.6(APC):c.5127C>G (p.Thr1709=)

Gene: APC (APC regulator of Wnt signaling pathway; plus strand). Cytogenetic location: 5q22.2.
Variant type: single nucleotide variant.
Coding change: c.5127C>G on transcript NM_000038.6 (MANE Select); coding-DNA position 5127, C replaced by G.
Protein change: p.Thr1709=; no amino-acid change (threonine 1709 retained).
Molecular consequence: synonymous variant.
Genome position (GRCh38, 1-based): chr5:112,840,721, C>G. VCF-style: chr5-112840721-C-G. GRCh37 (hg19) VCF-style: chr5-112176418-C-G.
Other names: c.5127C>G, p.Thr1709= (NM_001127510.3, NM_001354895.2); c.5073C>G, p.Thr1691= (NM_001127511.3); c.5181C>G, p.Thr1727= (NM_001354896.2); c.5157C>G, p.Thr1719= (NM_001354897.2); c.5052C>G, p.Thr1684= (NM_001354898.2); c.5043C>G, p.Thr1681= (NM_001354899.2); c.5004C>G, p.Thr1668= (NM_001354900.2); c.4950C>G, p.Thr1650= (NM_001354901.2); and 5 more.
Identifiers: ClinVar variation 1118255 (VCV001118255.49), dbSNP rs2149932701, ClinGen allele CA446209598.